The following is an entry in ClinVar:

ClinVar aggregate classification (germline): Uncertain significance. Review status: criteria provided, single submitter (1 of 4 stars). 3 submissions from 3 submitters: Uncertain significance (1). 2 of the submissions do not count toward it. Last evaluated 2026-03-03.

Conditions:
BBS12-related disorder. Also called: BBS12-related condition.
Bardet-Biedl syndrome 12 (BBS12). Identifiers: Orphanet 110, MedGen C1859570, MONDO:0014440, OMIM 615989.

Submissions (3):

Myriad Genetics, Inc.
Classification: Uncertain significance for Bardet-Biedl syndrome 12. Last evaluated: 2026-03-03. Review status: criteria provided, single submitter. Criteria: Myriad Autosomal Dominant, Autosomal Recessive and X-Linked Classification Criteria (2023). Collection method: clinical testing. Allele origin: unknown.
Comment: NM_152618.2(BBS12):c.1418_1420delTCT(F473del) is an in-frame deletion classified as a variant of uncertain significance in the context of Bardet-Biedl syndrome, BBS12-related. F473del has been observed in a case with relevant disease (PMID: 27659767). Relevant functional assessments of this variant are not available in the literature. F473del has not been observed in referenced population frequency databases. In summary, there is insufficient evidence to classify NM_152618.2(BBS12):c.1418_1420delTCT(F473del) as pathogenic or benign. Please note: this variant was assessed in the context of healthy population screening.

PreventionGenetics, part of Exact Sciences
Classification: Uncertain significance for BBS12-related condition. Last evaluated: 2023-11-16. Review status: no assertion criteria provided. Collection method: clinical testing. Allele origin: germline. Not counted in ClinVar's aggregate classification.
Comment: The BBS12 c.1418_1420delTCT variant is predicted to result in an in-frame deletion (p.Phe473del). This variant has been reported in homozygous state in an individual with Bardet-Biedl Syndrome (Table S1, Forsythe et al 2016. PubMed ID: 27659767). This variant has not been reported in a large population database, indicating this variant is rare. Although we suspect that this variant may be pathogenic, at this time, the clinical significance of this variant is uncertain due to the absence of conclusive functional and genetic evidence.

Counsyl
Classification: Uncertain significance for Bardet-Biedl syndrome 12. Last evaluated: 2018-02-15. Review status: no assertion criteria provided. Collection method: clinical testing. Allele origin: unknown. Not counted in ClinVar's aggregate classification.

Literature cited by the submitters: PubMed 27659767 (cited by Myriad Genetics, Inc. and Counsyl).

NM_152618.3(BBS12):c.1418_1420del (p.Phe473del)

Gene: BBS12 (Bardet-Biedl syndrome 12; plus strand). Cytogenetic location: 4q27.
Variant type: Deletion.
Coding change: c.1418_1420del on transcript NM_152618.3 (MANE Select); coding-DNA positions 1418 to 1420, 3 bases deleted (TCT; older notation c.1418_1420delTCT).
Protein change: p.Phe473del; deletes phenylalanine 473.
Molecular consequence: inframe deletion.
Genome position (GRCh38, 1-based): chr4:122,743,310-122,743,312, TCT deleted; deleting any 3 consecutive bases within chr4:122,743,308-122,743,312 gives the same sequence; the c. name uses the placement nearest the transcript's 3' end. VCF-style (leftmost placement, unchanged base first): chr4-122743307-CCTT-C. GRCh37 (hg19) VCF-style: chr4-123664462-CCTT-C.
Other names: c.1418_1420del, p.Phe473del (NM_001178007.2); short protein forms F473del.
Identifiers: ClinVar variation 549902 (VCV000549902.4), dbSNP rs1553941469, ClinGen allele CA658821378.
Genomic context (GRCh38, chr4:122,743,307, plus strand): 5'-TACAGGTGGCCTACATTACACAAGTGAATGAAGATTGTGTGGGCGACGGGGTCTGCGTGA[CCTT>C]CTGGAGAAGCAGCCCTTTGGATGTTGTAGATAGGAACAACAGAATCGCAATCTTATTAAA-3'